The following is an entry in ClinVar:

NM_000062.3(SERPING1):c.1293del (p.Glu432fs)

Gene: SERPING1 (serpin family G member 1; plus strand). Cytogenetic location: 11q12.1.
Variant type: Deletion.
Coding change: c.1293del on transcript NM_000062.3 (MANE Select); coding-DNA position 1293, one base deleted (A; older notation c.1293delA).
Protein change: p.Glu432fs; shifts the reading frame from glutamic acid 432.
Molecular consequence: frameshift variant.
Genome position (GRCh38, 1-based): chr11:57,614,371, A deleted. VCF-style (leftmost placement, unchanged base first): chr11-57614370-CA-C. GRCh37 (hg19) VCF-style: chr11-57381843-CA-C.
Other names: c.1293del, p.Glu432fs (NM_001032295.2); c.1293delA (NM_000062.3); short protein forms E432fs.
Identifiers: ClinVar variation 3256127 (VCV003256127.2).

ClinVar aggregate classification (germline): Pathogenic (1 of 4 stars; one submission).

Conditions:
Hereditary angioedema type 1 (HAE1). Identifiers: Orphanet 100050, Orphanet 100051, Orphanet 91378, MedGen C2717906, MONDO:0015053, OMIM 106100.

Submission:

DNA-diagnostics Laboratory, Research Centre For Medical Genetics
Classification: Pathogenic for Hereditary angioedema type 1. Review status: criteria provided, single submitter. Criteria: ACMG Guidelines, 2015. Collection method: research. Allele origin: germline. Inheritance: Autosomal dominant inheritance. Affected: yes. Observed: 2 variant alleles, 2 heterozygotes. Clinical features observed: Angioedema (HP:0100665).
Comment: According to our observation and published information (Guryanova et all, 2021), the c.1293delA variant in SERPING1 meets ACMG/ClinGen SVI guidance criteria to be classified as pathogenic: PVS1_Str, PP4_Str, PM2_Sup, PP1

Literature cited by the submitters: DOI 10.1186/s12948-021-00141-0.